The following is an entry in ClinVar:

NM_015627.3(LDLRAP1):c.782+4A>G

Gene: LDLRAP1 (low density lipoprotein receptor adaptor protein 1; plus strand). Cytogenetic location: 1p36.11.
Variant type: single nucleotide variant.
Coding change: c.782+4A>G on transcript NM_015627.3 (MANE Select); 4 bases into the intron after coding-DNA position 782, A replaced by G.
Molecular consequence: intron variant.
Genome position (GRCh38, 1-based): chr1:25,565,211, A>G. VCF-style: chr1-25565211-A-G. GRCh37 (hg19) VCF-style: chr1-25891702-A-G.
Other names: c.782+4A>G (NM_015627.2).
Identifiers: ClinVar variation 2167758 (VCV002167758.7), dbSNP rs1220016299, ClinGen allele CA521717015.

ClinVar aggregate classification (germline): Uncertain significance. Review status: criteria provided, multiple submitters, no conflicts (2 of 4 stars). 6 submissions from 6 submitters: Uncertain significance (6). Last evaluated 2026-09-21.

Conditions:
Hypercholesterolemia, familial, 4 (FHCL4). Also called: HYPERCHOLESTEROLEMIA, AUTOSOMAL RECESSIVE, 1; HYPERCHOLESTEROLEMIA, AUTOSOMAL RECESSIVE, 2. Identifiers: Orphanet 391665, MedGen C1863512, MONDO:0011374, OMIM 603813.
Cardiovascular phenotype. Identifiers: MedGen CN230736.

Allele frequency attached by ClinVar (database versions not stated): gnomAD exomes 0.00001; TOPMed 0.00002; gnomAD 0.00001.
gnomAD v4.1: 16 of 1,613,864 alleles (0.00099%); highest among the groups gnomAD compares: South Asian, 0.0077%; no homozygotes.

Submissions (6):

Molecular Diagnostic Laboratory for Inherited Cardiovascular Disease, Montreal Heart Institute
Classification: Uncertain significance for Cardiovascular phenotype. Last evaluated: 2026-09-21. Review status: criteria provided, single submitter. Criteria: ACMG Guidelines, 2015. Collection method: clinical testing. Allele origin: germline. Affected: yes.
Comment: PVS1_mod, PM2

Women's Health and Genetics/Laboratory Corporation of America, LabCorp
Classification: Uncertain significance. Last evaluated: 2026-06-16. Review status: criteria provided, single submitter. Criteria: LabCorp Variant Classification Summary - May 2015. Collection method: clinical testing. Allele origin: germline.

GeneDx
Classification: Uncertain significance. Last evaluated: 2025-03-11. Review status: criteria provided, single submitter. Criteria: GeneDx Variant Classification Process June 2021. Collection method: clinical testing. Allele origin: germline. Affected: yes.
Comment: Not observed at significant frequency in large population cohorts (gnomAD); Has not been previously published as pathogenic or benign to our knowledge; In silico analysis is inconclusive as to whether the variant alters gene splicing. In the absence of RNA/functional studies, the actual effect of this sequence change is unknown.

Ambry Genetics
Classification: Uncertain significance for Cardiovascular phenotype. Last evaluated: 2023-07-06. Review status: criteria provided, single submitter. Criteria: Ambry Variant Classification Scheme 2023. Collection method: clinical testing. Allele origin: germline.
Comment: The c.782+4A>G intronic variant results from an A to G substitution 4 nucleotides after coding exon 8 in the LDLRAP1 gene. This nucleotide position is highly conserved in available vertebrate species. In silico splice site analysis predicts that this alteration may weaken the native splice donor site. Since supporting evidence is limited at this time, the clinical significance of this alteration remains unclear.

Genome-Nilou Lab
Classification: Uncertain significance for Hypercholesterolemia, familial, 4. Last evaluated: 2023-04-11. Review status: criteria provided, single submitter. Criteria: ACMG Guidelines, 2015. Collection method: clinical testing. Allele origin: germline. Affected: no.

Labcorp Genetics (formerly Invitae), Labcorp
Classification: Uncertain significance for Hypercholesterolemia, familial, 4. Last evaluated: 2021-05-03. Review status: criteria provided, single submitter. Criteria: Invitae Variant Classification Sherloc (09022015). Collection method: clinical testing. Allele origin: germline.
Comment: This sequence change falls in intron 8 of the LDLRAP1 gene. It does not directly change the encoded amino acid sequence of the LDLRAP1 protein. It affects a nucleotide within the consensus splice site of the intron. This variant is not present in population databases (ExAC no frequency). This variant has not been reported in the literature in individuals with LDLRAP1-related conditions. Nucleotide substitutions within the consensus splice site are a relatively common cause of aberrant splicing (PMID: 17576681, 9536098). Algorithms developed to predict the effect of sequence changes on RNA splicing suggest that this variant may disrupt the consensus splice site, but this prediction has not been confirmed by published transcriptional studies. In summary, the available evidence is currently insufficient to determine the role of this variant in disease. Therefore, it has been classified as a Variant of Uncertain Significance.

Literature cited by the submitters: PubMed 17576681 (cited by Labcorp Genetics (formerly Invitae), Labcorp); PubMed 9536098 (cited by Labcorp Genetics (formerly Invitae), Labcorp).